The following is an entry in ClinVar:

ClinVar aggregate classification (germline): Likely benign (1 of 4 stars; one submission).

Submission:

GeneDx
Classification: Likely benign. Last evaluated: 2017-01-19. Review status: criteria provided, single submitter. Criteria: GeneDx Variant Classification (06012015). Collection method: clinical testing. Allele origin: germline. Affected: yes.
Comment: This variant is considered likely benign or benign based on one or more of the following criteria: it is a conservative change, it occurs at a poorly conserved position in the protein, it is predicted to be benign by multiple in silico algorithms, and/or has population frequency not consistent with disease.

NM_001184880.2(PCDH19):c.2616+19C>T

Genes: PCDH19 (protocadherin 19; minus strand), LOC125467768 (CDK7 strongly-dependent group 2 enhancer GRCh37_chrX:99657381-99658580; plus strand). Cytogenetic location: Xq22.1.
Variant type: single nucleotide variant.
Coding change: c.2616+19C>T on transcript NM_001184880.2 (MANE Select); 19 bases into the intron after coding-DNA position 2616, C replaced by T.
Molecular consequence: intron variant.
Genome position (GRCh38, 1-based): chrX:100,402,505, G>A on the plus strand (C>T on the coding strand, the complement: PCDH19 is on the minus strand). VCF-style: chrX-100402505-G-A. GRCh37 (hg19) VCF-style: chrX-99657503-G-A.
Other names: c.2475+19C>T (NM_020766.3, NM_001105243.2).
Identifiers: ClinVar variation 506928 (VCV000506928.1), dbSNP rs1555984385, ClinGen allele CA658799823.
Genomic context (GRCh38, chrX:100,402,505, plus strand): 5'-ACAGCAGCTTATGGTATCCAGCGAGCAGCTAAAGAAGGAGACCTGGGAGAACCTCACAGA[G>A]CCACTTAGCTGCACTCACCTCAGGCAGAGGCACACCGTTGATAATCAGGTCAGGCTGCTG-3'